The following is an entry in ClinVar:

NM_020778.5(ALPK3):c.4766T>C (p.Leu1589Pro)

Gene: ALPK3 (alpha kinase 3; plus strand). Cytogenetic location: 15q25.3.
Variant type: single nucleotide variant.
Coding change: c.4766T>C on transcript NM_020778.5 (MANE Select); coding-DNA position 4766, T replaced by C.
Protein change: p.Leu1589Pro; replaces leucine 1589 with proline.
Molecular consequence: missense variant.
Genome position (GRCh38, 1-based): chr15:84,867,359, T>C. VCF-style: chr15-84867359-T-C. GRCh37 (hg19) VCF-style: chr15-85410590-T-C.
Other names: short protein forms L1589P.
Identifiers: ClinVar variation 3730470 (VCV003730470.2).

ClinVar aggregate classification (germline): Uncertain significance (1 of 4 stars; one submission).

gnomAD v4.1: 1 of 1,613,962 alleles (0.000062%); highest among the groups gnomAD compares: African/African-American, 0.0013%; no homozygotes.

Submission:

Labcorp Genetics (formerly Invitae), Labcorp
Classification: Uncertain significance. Last evaluated: 2024-11-21. Review status: criteria provided, single submitter. Criteria: Invitae Variant Classification Sherloc (09022015). Collection method: clinical testing. Allele origin: germline.
Comment: This sequence change replaces leucine, which is neutral and non-polar, with proline, which is neutral and non-polar, at codon 1791 of the ALPK3 protein (p.Leu1791Pro). This variant is present in population databases (no rsID available, gnomAD 0.007%). This variant has not been reported in the literature in individuals affected with ALPK3-related conditions. Invitae Evidence Modeling of protein sequence and biophysical properties (such as structural, functional, and spatial information, amino acid conservation, physicochemical variation, residue mobility, and thermodynamic stability) indicates that this missense variant is expected to disrupt ALPK3 protein function with a positive predictive value of 80%. In summary, the available evidence is currently insufficient to determine the role of this variant in disease. Therefore, it has been classified as a Variant of Uncertain Significance.